The following is an entry in ClinVar:

NM_000143.4(FH):c.1117A>G (p.Asn373Asp)

Gene: FH (fumarate hydratase; minus strand). Cytogenetic location: 1q43.
Variant type: single nucleotide variant.
Coding change: c.1117A>G on transcript NM_000143.4 (MANE Select); coding-DNA position 1117, A replaced by G.
Protein change: p.Asn373Asp; replaces asparagine 373 with aspartic acid.
Molecular consequence: missense variant.
Genome position (GRCh38, 1-based): chr1:241,502,562, T>C on the plus strand (A>G on the coding strand, the complement: FH is on the minus strand). VCF-style: chr1-241502562-T-C. GRCh37 (hg19) VCF-style: chr1-241665862-T-C.
Other names: short protein forms N373D.
Identifiers: ClinVar variation 2734121 (VCV002734121.3), dbSNP rs1433607345, ClinGen allele CA345437671.

ClinVar aggregate classification (germline): Likely pathogenic (1 of 4 stars; one submission).

Submission:

Labcorp Genetics (formerly Invitae), Labcorp
Classification: Likely pathogenic. Last evaluated: 2024-01-16. Review status: criteria provided, single submitter. Criteria: Invitae Variant Classification Sherloc (09022015). Collection method: clinical testing. Allele origin: germline.
Comment: This sequence change replaces asparagine, which is neutral and polar, with aspartic acid, which is acidic and polar, at codon 373 of the FH protein (p.Asn373Asp). This variant is not present in population databases (gnomAD no frequency). This missense change has been observed in individual(s) with type 2 papillary renal cell cancer (PMID: 21398687). This variant is also known as c.988A>G p.Asn330Asp. Advanced modeling of protein sequence and biophysical properties (such as structural, functional, and spatial information, amino acid conservation, physicochemical variation, residue mobility, and thermodynamic stability) performed at Invitae indicates that this missense variant is expected to disrupt FH protein function with a positive predictive value of 95%. This variant disrupts the p.Asn373 amino acid residue in FH. Other variant(s) that disrupt this residue have been determined to be pathogenic (PMID: 33442023). This suggests that this residue is clinically significant, and that variants that disrupt this residue are likely to be disease-causing. In summary, the currently available evidence indicates that the variant is pathogenic, but additional data are needed to prove that conclusively. Therefore, this variant has been classified as Likely Pathogenic.

Literature cited by the submitters: PubMed 21398687; PubMed 33442023.